The following is an entry in ClinVar:

NC_000018.9:g.(?_59828346)_(59828586_?)del

Gene: PIGN (phosphatidylinositol glycan anchor biosynthesis class N; minus strand). Cytogenetic location: 18q21.33.
Variant type: Deletion.
Identifiers: ClinVar variation 3242773 (VCV003242773.1).

ClinVar aggregate classification (germline): Pathogenic (1 of 4 stars; one submission).

Conditions:
Multiple congenital anomalies-hypotonia-seizures syndrome 1 (MCAHS1). Also called: GLYCOSYLPHOSPHATIDYLINOSITOL BIOSYNTHESIS DEFECT 3; PIGN-CDG; Congenital disorder of glycosylation due to PIGN deficiency. Identifiers: Orphanet 280633, MedGen C3279775, MONDO:0013563, OMIM 614080.

Submission:

Labcorp Genetics (formerly Invitae), Labcorp
Classification: Pathogenic for Multiple congenital anomalies-hypotonia-seizures syndrome 1. Last evaluated: 2023-05-15. Review status: criteria provided, single submitter. Criteria: Invitae Variant Classification Sherloc (09022015). Collection method: clinical testing. Allele origin: unknown.
Comment: For these reasons, this variant has been classified as Pathogenic. This variant has not been reported in the literature in individuals affected with PIGN-related conditions. This variant is a gross deletion of the genomic region encompassing exon(s) 4 of the PIGN gene, which includes the initiator codon. This deletion extends beyond the assayed region for this gene and therefore may encompass additional genes. It is expected to result in an absent or disrupted protein product. Loss-of-function variants in PIGN are known to be pathogenic (PMID: 24253414, 27038415).

Literature cited by the submitters: PubMed 24253414; PubMed 27038415.